The following is an entry in ClinVar:

NM_000179.3(MSH6):c.3374G>A (p.Gly1125Asp)

Gene: MSH6 (mutS homolog 6; plus strand). Cytogenetic location: 2p16.3.
Variant type: single nucleotide variant.
Coding change: c.3374G>A on transcript NM_000179.3 (MANE Select); coding-DNA position 3374, G replaced by A.
Protein change: p.Gly1125Asp; replaces glycine 1125 with aspartic acid.
Molecular consequence: missense variant.
Genome position (GRCh38, 1-based): chr2:47,803,621, G>A. VCF-style: chr2-47803621-G-A. GRCh37 (hg19) VCF-style: chr2-48030760-G-A.
Other names: c.2984G>A, p.Gly995Asp (NM_001281492.2); c.2468G>A, p.Gly823Asp (NM_001281493.2, NM_001281494.2); short protein forms G823D, G995D, G1125D.
Identifiers: ClinVar variation 651868 (VCV000651868.9), dbSNP rs1572735887, ClinGen allele CA346758811.
Genomic context (GRCh38, chr2:47,803,621, plus strand): 5'-GAGATGATTTTATTCCTAATGACATTCTAATAGGCTGTGAGGAAGAGGAGCAGGAAAATG[G>A]CAAAGCCTATTGTGTGCTTGTTACTGGACCAAATATGGGGGGCAAGTCTACGCTTATGAG-3'
Protein context (NP_000170.1, residues 1115-1135): IGCEEEEQEN[Gly1125Asp]KAYCVLVTGP

ClinVar aggregate classification (germline): Uncertain significance (1 of 4 stars; one submission).

Conditions:
Hereditary nonpolyposis colorectal neoplasms. Identifiers: MedGen C0009405, MeSH D003123.

Submission:

Labcorp Genetics (formerly Invitae), Labcorp
Classification: Uncertain significance for Hereditary nonpolyposis colorectal neoplasms. Last evaluated: 2023-04-23. Review status: criteria provided, single submitter. Criteria: Invitae Variant Classification Sherloc (09022015). Collection method: clinical testing. Allele origin: germline.
Comment: In summary, the available evidence is currently insufficient to determine the role of this variant in disease. Therefore, it has been classified as a Variant of Uncertain Significance. Advanced modeling of protein sequence and biophysical properties (such as structural, functional, and spatial information, amino acid conservation, physicochemical variation, residue mobility, and thermodynamic stability) performed at Invitae indicates that this missense variant is not expected to disrupt MSH6 protein function. ClinVar contains an entry for this variant (Variation ID: 651868). This variant has not been reported in the literature in individuals affected with MSH6-related conditions. This variant is not present in population databases (gnomAD no frequency). This sequence change replaces glycine, which is neutral and non-polar, with aspartic acid, which is acidic and polar, at codon 1125 of the MSH6 protein (p.Gly1125Asp).